The following is an entry in ClinVar:

ClinVar aggregate classification (germline): Uncertain significance (1 of 4 stars; one submission).

Conditions:
PHIP-related disorder. Also called: PHIP-related disorders; PHIP-related condition.

gnomAD v4.1: 2 of 1,613,998 alleles (0.00012%); highest among the groups gnomAD compares: South Asian, 0.0022%; no homozygotes.

Submission:

PreventionGenetics, part of Exact Sciences
Classification: Uncertain significance for PHIP-related condition. Last evaluated: 2025-06-10. Review status: criteria provided, single submitter. Criteria: ACMG Guidelines, 2015. Collection method: clinical testing. Allele origin: germline.
Comment: The PHIP c.2064A>T variant is not predicted to result in an amino acid change (p.=). This variant is predicted to alter splicing based on available splicing prediction programs (SpliceAI, Jaganathan et al. 2019. PubMed ID: 30661751). To our knowledge, this variant has not been reported in the literature or in a large population database (gnomAD), indicating this variant is rare. At this time, the clinical significance of this variant is uncertain due to the absence of conclusive functional and genetic evidence.

NM_017934.7(PHIP):c.2064A>T (p.Gly688=)

Gene: PHIP (PHIP subunit of CUL4-Ring ligase complex; minus strand). Cytogenetic location: 6q14.1.
Variant type: single nucleotide variant.
Coding change: c.2064A>T on transcript NM_017934.7 (MANE Select); coding-DNA position 2064, A replaced by T.
Protein change: p.Gly688=; no amino-acid change (glycine 688 retained).
Molecular consequence: synonymous variant.
Genome position (GRCh38, 1-based): chr6:78,997,551, T>A on the plus strand (A>T on the coding strand, the complement: PHIP is on the minus strand). VCF-style: chr6-78997551-T-A. GRCh37 (hg19) VCF-style: chr6-79707268-T-A.
Identifiers: ClinVar variation 4999068 (VCV004999068.1).